The following is an entry in ClinVar:

NM_001048174.2(MUTYH):c.1400G>T (p.Arg467Leu)

Gene: MUTYH (mutY DNA glycosylase; minus strand). Cytogenetic location: 1p34.1.
Variant type: single nucleotide variant.
Coding change: c.1400G>T on transcript NM_001048174.2 (MANE Select); coding-DNA position 1400, G replaced by T.
Protein change: p.Arg467Leu; replaces arginine 467 with leucine.
Molecular consequence: missense variant. On other transcripts: non-coding transcript variant (7).
Genome position (GRCh38, 1-based): chr1:45,330,550, C>A on the plus strand (G>T on the coding strand, the complement: MUTYH is on the minus strand). VCF-style: chr1-45330550-C-A. GRCh37 (hg19) VCF-style: chr1-45796222-C-A.
Other names: c.1055G>T, p.Arg352Leu (NM_001350651.2, NM_001350650.2, NM_001407082.1); c.1433G>T, p.Arg478Leu (NM_001407069.1, NM_001407077.1, NM_001293191.2); c.1400G>T, p.Arg467Leu (NM_001407070.1, NM_001407072.1, NM_001407073.1 and 6 more transcripts); c.1403G>T, p.Arg468Leu (NM_001407071.1, NM_001407078.1, NM_001048172.2 and 1 more transcripts); c.1316G>T, p.Arg439Leu (NM_001407075.1); c.1361G>T, p.Arg454Leu (NM_001407079.1); c.1484G>T, p.Arg495Leu (NM_001128425.2); c.1445G>T, p.Arg482Leu (NM_001293190.2); and 5 more; short protein forms R352L, R375L, R439L, R453L, R454L, R467L, R468L, R474L.
Identifiers: ClinVar variation 3387074 (VCV003387074.2).
Genomic context (GRCh38, chr1:45,330,550, plus strand): 5'-GGTTGGGAGAGGCCTAGGAGACTTACCATACAGGTCCCTGGCTGTTGGCCCTGATACACA[C>A]GGAAAACCTAGACAAGAAGACAGGGAGGTGAGGGCTGGCACTTTTTGCAAAAGAGATAAA-3'
Protein context (NP_001041639.1, residues 457-477): AVSTAMKKVF[Arg467Leu]VYQGQQPGTC

ClinVar aggregate classification (germline): Uncertain significance. Review status: criteria provided, multiple submitters, no conflicts (2 of 4 stars). 2 submissions from 2 submitters: Uncertain significance (2). Last evaluated 2025-08-27.

Conditions:
Hereditary cancer-predisposing syndrome. Also called: Tumor predisposition; Hereditary Cancer Syndrome; Hereditary neoplastic syndrome; Neoplastic Syndromes, Hereditary. Identifiers: Orphanet 140162, MedGen C0027672, MeSH D009386, MONDO:0015356.
Familial adenomatous polyposis 2. Also called: MUTYH Polyposis; COLORECTAL ADENOMATOUS POLYPOSIS, AUTOSOMAL RECESSIVE; ADENOMAS, MULTIPLE COLORECTAL, AUTOSOMAL RECESSIVE; MYH-associated polyposis; MUTYH-associated polyposis; MUTYH-related attenuated familial adenomatous polyposis. Identifiers: Orphanet 220460, Orphanet 247798, MedGen C3272841, MONDO:0012041, OMIM 608456.

Submissions (2):

Ambry Genetics
Classification: Uncertain significance for Hereditary cancer-predisposing syndrome. Last evaluated: 2025-08-27. Review status: criteria provided, single submitter. Criteria: Ambry Variant Classification Scheme 2023. Collection method: clinical testing. Allele origin: germline.
Comment: The p.R495L variant (also known as c.1484G>T), located in coding exon 15 of the MUTYH gene, results from a G to T substitution at nucleotide position 1484. The arginine at codon 495 is replaced by leucine, an amino acid with dissimilar properties. This amino acid position is conserved. In addition, the in silico prediction for this alteration is inconclusive. Based on the available evidence, the clinical significance of this variant remains unclear.

All of Us Research Program, National Institutes of Health
Classification: Uncertain significance for Familial adenomatous polyposis 2. Last evaluated: 2024-05-14. Review status: criteria provided, single submitter. Criteria: ACMG Guidelines, 2015. Collection method: clinical testing. Allele origin: germline. Inheritance: Autosomal recessive inheritance. Observed: 1 variant allele, 1 heterozygote.
Comment: This missense variant replaces arginine with leucine at codon 495 of the MUTYH protein. Computational prediction is inconclusive regarding the impact of this variant on protein structure and function (internally defined REVEL score threshold 0.5 < inconclusive < 0.7, PMID: 27666373). To our knowledge, functional studies have not been reported for this variant. This variant has not been reported in individuals affected with MUTYH-related disorders in the literature. This variant has not been identified in the general population by the Genome Aggregation Database (gnomAD). The available evidence is insufficient to determine the role of this variant in disease conclusively. Therefore, this variant is classified as a Variant of Uncertain Significance.

This study involves interpretation of variants in research participants for the purpose of population health screening. Participant phenotype was not available at the time of variant classification. Additional details can be found in publication PMID: 35346344, PMCID: PMC8962531